The following is an entry in ClinVar:

ClinVar aggregate classification (germline): Likely benign. Review status: criteria provided, multiple submitters, no conflicts (2 of 4 stars). 5 submissions from 5 submitters: Likely benign (5). Last evaluated 2025-04-29.

Conditions:
KBG syndrome (KBGS). Also called: ANKRD11-Related KBG Syndrome. Identifiers: Orphanet 2332, MedGen C0220687, MONDO:0007846, OMIM 148050.
Inborn genetic diseases. Identifiers: MedGen C0950123, MeSH D030342.

Allele frequency attached by ClinVar (database versions not stated): ExAC 0.00002; gnomAD exomes 0.00018 and 0.00004; ESP Exome Variant Server 0.00008; gnomAD 0.00011; TOPMed 0.00012.
gnomAD v4.1: 285 of 1,613,866 alleles (0.018%); highest among the groups gnomAD compares: Non-Finnish European, 0.023%; no homozygotes.

Submissions (5):

Labcorp Genetics (formerly Invitae), Labcorp
Classification: Likely benign for KBG syndrome. Last evaluated: 2025-04-29. Review status: criteria provided, single submitter. Criteria: Invitae Variant Classification Sherloc (09022015). Collection method: clinical testing. Allele origin: germline.

Athena Diagnostics
Classification: Likely benign. Last evaluated: 2024-12-09. Review status: criteria provided, single submitter. Criteria: Athena Diagnostics Criteria. Collection method: clinical testing. Allele origin: unknown.
Comment: The frequency of this variant in the general population is higher than would generally be expected for pathogenic variants in this gene. Computational tools yielded predictions that this variant is unlikely to have an effect on normal RNA splicing. This nucleotide position exhibits low evolutionary conservation.

Blueprint Genetics
Classification: Likely benign. Last evaluated: 2024-10-16. Review status: criteria provided, single submitter. Criteria: ACMG Guidelines, 2015. Collection method: clinical testing. Allele origin: germline.

GeneDx
Classification: Likely benign. Last evaluated: 2020-04-03. Review status: criteria provided, single submitter. Criteria: GeneDx Variant Classification Process June 2021. Collection method: clinical testing. Allele origin: germline. Affected: yes.

Ambry Genetics
Classification: Likely benign for Inborn genetic diseases. Last evaluated: 2017-01-31. Review status: criteria provided, single submitter. Criteria: Ambry Variant Classification Scheme 2023. Collection method: clinical testing. Allele origin: germline.

NM_013275.6(ANKRD11):c.543C>T (p.Ala181=)

Gene: ANKRD11 (ankyrin repeat domain 11; minus strand). Cytogenetic location: 16q24.3.
Variant type: single nucleotide variant.
Coding change: c.543C>T on transcript NM_013275.6 (MANE Select); coding-DNA position 543, C replaced by T.
Protein change: p.Ala181=; no amino-acid change (alanine 181 retained).
Molecular consequence: synonymous variant. On other transcripts: non-coding transcript variant (1).
Genome position (GRCh38, 1-based): chr16:89,290,683, G>A on the plus strand (C>T on the coding strand, the complement: ANKRD11 is on the minus strand). VCF-style: chr16-89290683-G-A. GRCh37 (hg19) VCF-style: chr16-89357091-G-A.
Other names: c.543C>T, p.Ala181= (NM_001256182.2, NM_001256183.2); c.543C>T (NM_001256182.1).
Identifiers: ClinVar variation 588725 (VCV000588725.14), dbSNP rs367937349, ClinGen allele CA8243064.